The following is an entry in ClinVar:

ClinVar aggregate classification (germline): Pathogenic. Review status: reviewed by expert panel (3 of 4 stars). 3 submissions from 3 submitters: Pathogenic (1). 2 of the submissions do not count toward it. Last evaluated 2024-04-07.

Conditions:
Monogenic diabetes. Identifiers: Orphanet 183625, MedGen C3888631, MONDO:0015967.
Maturity-onset diabetes of the young (MODY). Also called: Maturity onset diabetes mellitus in young. Identifiers: Orphanet 552, MedGen C0342276, MONDO:0018911, HP:0004904.

Submissions (3):

ClinGen Monogenic Diabetes Variant Curation Expert Panel
Classification: Pathogenic for Monogenic diabetes. Last evaluated: 2024-04-07. Review status: reviewed by expert panel. Criteria: ClinGen Diabetes ACMG Specifications HNF4A V2.0.0. Collection method: curation. Allele origin: germline. Inheritance: Autosomal dominant inheritance.
Comment: The c.968del variant in the hepatocyte nuclear factor 4-alpha gene, HNF4A, causes a frameshift in the protein at codon 323 in NM_175914.5, adding 7 novel amino acids before encountering a stop codon (p.(Gln323Argfs*7)). This variant, located in biologically-relevant exon 8 of 10, is predicted to lead to nonsense mediated decay in a gene in which loss-of-function is an established disease mechanism (PVS1; PMID: 23348805). This variant is absent from gnomAD v2.1.1 (PM2_Supporting). In summary, c.968del meets the criteria to be classified as Pathogenic for monogenic diabetes. ACMG/AMP criteria applied, as specified by the ClinGen MDEP (specification version 2.0.0 approved 10/11/2023): PVS1, PP4_Moderate, PM2_Supporting.

Athena Diagnostics
Classification: Pathogenic. Last evaluated: 2017-05-23. Review status: criteria provided, single submitter. Criteria: Athena Diagnostics Criteria. Collection method: clinical testing. Allele origin: germline. Not counted in ClinVar's aggregate classification.

Clinical Genomics, Uppaluri K&H Personalized Medicine Clinic
Classification: Likely pathogenic for Maturity-onset diabetes of the young. Review status: criteria provided, single submitter. Criteria: K & H Uppaluri Personalized Medicine Clinic Variant Classification & Assertion Criteria_Updated V.1. Collection method: research. Allele origin: unknown. Inheritance: Autosomal dominant inheritance. Not counted in ClinVar's aggregate classification.
Comment: Potent mutations in HNF4A are associated with poor insulin secretion in response to hyperglycemia. Associated with MODY1. Patients initially respond well to sulfonylureas but eventually become insulin dependent. However, more evidence is required to ascertain the role of this particular variant rs1555817851 in MODY, yet.

Literature cited by the submitters: DOI 10.1159/000334532 (cited by Clinical Genomics, Uppaluri K&H Personalized Medicine Clinic); PubMed 18268044 (cited by Clinical Genomics, Uppaluri K&H Personalized Medicine Clinic); PubMed 17563455 (cited by Clinical Genomics, Uppaluri K&H Personalized Medicine Clinic); PubMed 32583173 (cited by Clinical Genomics, Uppaluri K&H Personalized Medicine Clinic); PubMed 35052457 (cited by Clinical Genomics, Uppaluri K&H Personalized Medicine Clinic); PubMed 35118593 (cited by Clinical Genomics, Uppaluri K&H Personalized Medicine Clinic).

NM_175914.5(HNF4A):c.968del (p.Gln323fs)

Gene: HNF4A (hepatocyte nuclear factor 4 alpha; plus strand). Cytogenetic location: 20q13.12.
Variant type: Deletion.
Coding change: c.968del on transcript NM_175914.5 (MANE Select); coding-DNA position 968, one base deleted (A; older notation c.968delA).
Protein change: p.Gln323fs; shifts the reading frame from glutamine 323.
Molecular consequence: frameshift variant.
Genome position (GRCh38, 1-based): chr20:44,424,159, A deleted. VCF-style (leftmost placement, unchanged base first): chr20-44424158-CA-C. GRCh37 (hg19) VCF-style: chr20-43052798-CA-C.
Other names: NM_175914.5(HNF4A):c.968del; p.Gln323fs; c.1034del, p.Gln345fs (NM_000457.6, NM_178849.3, NM_178850.3); c.968del, p.Gln323fs (NM_001030003.3, NM_001030004.3); c.1013del, p.Gln338fs (NM_001258355.2); c.959del, p.Gln320fs (NM_001287182.2, NM_001287183.2, NM_001287184.2); short protein forms Q323fs, Q345fs, Q338fs, Q320fs.
Identifiers: ClinVar variation 447513 (VCV000447513.3), dbSNP rs1555817851, ClinGen allele CA658658873.
Genomic context (GRCh38, chr20:44,424,158, plus strand): 5'-GACCGCCAGTATGACTCGCGTGGCCGCTTTGGAGAGCTGCTGCTGCTGCTGCCCACCTTG[CA>C]GAGCATCACCTGGCAGATGATCGAGCAGATCCAGTTCATCAAGCTCTTCGGCATGGCCAA-3'